The following is an entry in ClinVar:

NM_013390.3(CEMIP2):c.976A>C (p.Thr326Pro)

Gene: CEMIP2 (cell migration inducing hyaluronidase 2; minus strand). Cytogenetic location: 9q21.13.
Variant type: single nucleotide variant.
Coding change: c.976A>C on transcript NM_013390.3 (MANE Select); coding-DNA position 976, A replaced by C.
Protein change: p.Thr326Pro; replaces threonine 326 with proline.
Molecular consequence: missense variant. On other transcripts: 5 prime UTR variant (1).
Genome position (GRCh38, 1-based): chr9:71,745,076, T>G on the plus strand (A>C on the coding strand, the complement: CEMIP2 is on the minus strand). VCF-style: chr9-71745076-T-G. GRCh37 (hg19) VCF-style: chr9-74359992-T-G.
Other names: c.976A>C, p.Thr326Pro (NM_001135820.2); c.-905A>C (NM_001349784.2); short protein forms T326P.
Identifiers: ClinVar variation 4075819 (VCV004075819.1).
Genomic context (GRCh38, chr9:71,745,076, plus strand): 5'-ACCTGTAGCCCAGTCCTTGGATCAGTTCACTTCCCAACCGTTCCTGGATCATCTGGATGG[T>G]TCCTTGTAAGAGACTTTTAGCGGCTGAATCCCCGACAGCTATGGCAACAATCCGACCTGG-3'
Protein context (NP_037522.1, residues 316-336): DSAAKSLLQG[Thr326Pro]IQMIQERLGS

ClinVar aggregate classification (germline): Uncertain significance (1 of 4 stars; one submission).

Conditions:
Congenital heart disease (CHD). Identifiers: MedGen C0152021, MONDO:0005453. Disease mechanism: unknown.

gnomAD v4.1: 20 of 1,614,046 alleles (0.0012%); highest among the groups gnomAD compares: Non-Finnish European, 0.0017%; no homozygotes.

Submission:

Embryology Laboratory, Victor Chang Cardiac Research Institute
Classification: Uncertain significance for Congenital heart disease. Last evaluated: 2025-08-12. Review status: criteria provided, single submitter. Criteria: ACMG Guidelines, 2015. Collection method: research. Allele origin: inherited. Inheritance: Autosomal dominant inheritance. Affected: yes. Observed: 2 variant alleles.
Comment: The c.976A>C (p.Thr326Pro) variant is rare and occurs within the ILEI functional domain of CEMIP2. CEMIP2 and Congenital heart disease are not a known gene/disease relationship, the variant is therefore classified as VUS.